The following is an entry in ClinVar:

ClinVar aggregate classification (germline): Benign/Likely benign. Review status: criteria provided, multiple submitters, no conflicts (2 of 4 stars). 9 submissions from 8 submitters: Benign (7); Likely benign (1). 1 of the submissions does not count toward it. Last evaluated 2026-01-28.

Conditions:
Emery-Dreifuss muscular dystrophy 4, autosomal dominant (EDMD4). Also called: EMERY-DREIFUSS MUSCULAR DYSTROPHY 4 WITH VARIABLE FEATURES. Identifiers: Orphanet 261, MedGen C2751807, MONDO:0013071, OMIM 612998.
Arthrogryposis multiplex congenita 3, myogenic type. Also called: ARTHROGRYPOSIS MULTIPLEX CONGENITA, MYOGENIC TYPE. Identifiers: MedGen C5193121, MONDO:0032778, OMIM 618484.
Autosomal recessive ataxia, Beauce type. Also called: SYNE1-Related Autosomal Recessive Cerebellar Ataxia; ATAXIA, RECESSIVE, OF BEAUCE; Spinocerebellar ataxia, autosomal recessive 8; SYNE1 Deficiency. Identifiers: Orphanet 88644, MedGen C1853116, MONDO:0012549, OMIM 610743.

Allele frequency attached by ClinVar (database versions not stated): 1000 Genomes Project 0.01558; gnomAD exomes 0.00371 and 0.00130; ExAC 0.00488; gnomAD 0.01460 and 0.01555; ESP Exome Variant Server 0.01838; TOPMed 0.01625; 1000 Genomes Project 30x 0.01671.
gnomAD v4.1: 4,196 of 1,614,084 alleles (0.26%); highest among the groups gnomAD compares: African/African-American, 5%; 108 homozygotes.

Submissions (9):

Labcorp Genetics (formerly Invitae), Labcorp
Classification: Benign for Emery-Dreifuss muscular dystrophy 4, autosomal dominant; Autosomal recessive ataxia, Beauce type. Last evaluated: 2026-01-28. Review status: criteria provided, single submitter. Criteria: Invitae Variant Classification Sherloc (09022015). Collection method: clinical testing. Allele origin: germline.

Athena Diagnostics
Classification: Benign. Last evaluated: 2024-02-19. Review status: criteria provided, single submitter. Criteria: Athena Diagnostics Criteria. Collection method: clinical testing. Allele origin: unknown.

Fulgent Genetics
Classification: Likely benign for Autosomal recessive ataxia, Beauce type; Emery-Dreifuss muscular dystrophy 4, autosomal dominant; Arthrogryposis multiplex congenita 3, myogenic type. Last evaluated: 2021-11-18. Review status: criteria provided, single submitter. Criteria: ACMG Guidelines, 2015. Collection method: clinical testing. Allele origin: unknown.

ARUP Laboratories, Molecular Genetics and Genomics, ARUP Laboratories
Classification: Benign. Last evaluated: 2018-12-12. Review status: criteria provided, single submitter. Criteria: ARUP Molecular Germline Variant Investigation Process. Collection method: clinical testing. Allele origin: germline.

Mayo Clinic Laboratories, Mayo Clinic
Classification: Benign. Last evaluated: 2018-04-04. Review status: criteria provided, single submitter. Criteria: ACMG Guidelines, 2015. Collection method: clinical testing. Allele origin: germline. Observed: 11 variant alleles.

Illumina Laboratory Services, Illumina
Classification: Benign for Emery-Dreifuss muscular dystrophy 4, autosomal dominant. Last evaluated: 2018-01-13. Review status: criteria provided, single submitter. Criteria: ICSL Variant Classification Criteria 13 December 2019. Collection method: clinical testing. Allele origin: germline.
Comment: This variant was observed in the ICSL laboratory as part of a predisposition screen in an ostensibly healthy population. It had not been previously curated by ICSL or reported in the Human Gene Mutation Database (HGMD: prior to June 1st, 2018), and was therefore a candidate for classification through an automated scoring system. Utilizing variant allele frequency, disease prevalence and penetrance estimates, and inheritance mode, an automated score was calculated to assess if this variant is too frequent to cause the disease. Based on the score and internal cut-off values, a variant classified as benign is not then subjected to further curation. The score for this variant resulted in a classification of benign for this disease.

Illumina Laboratory Services, Illumina
Classification: Benign for Autosomal recessive ataxia, Beauce type. Last evaluated: 2018-01-13. Review status: criteria provided, single submitter. Criteria: ICSL Variant Classification Criteria 13 December 2019. Collection method: clinical testing. Allele origin: germline.
Comment: the same text as in the submission from Illumina Laboratory Services, Illumina above.

GeneDx
Classification: Benign. Last evaluated: 2016-02-23. Review status: criteria provided, single submitter. Criteria: GeneDx Variant Classification (06012015). Collection method: clinical testing. Allele origin: germline. Affected: yes.
Comment: This variant is considered likely benign or benign based on one or more of the following criteria: it is a conservative change, it occurs at a poorly conserved position in the protein, it is predicted to be benign by multiple in silico algorithms, and/or has population frequency not consistent with disease.

Genetic Services Laboratory, University of Chicago
Classification: Likely benign for AllHighlyPenetrant. Review status: no assertion criteria provided. Collection method: clinical testing. Allele origin: germline. Inheritance: Autosomal dominant inheritance. Not counted in ClinVar's aggregate classification.
Comment: Likely benign based on allele frequency in 1000 Genomes Project or ESP global frequency and its presence in a patient with a rare or unrelated disease phenotype. NOT Sanger confirmed.

NM_182961.4(SYNE1):c.8336T>G (p.Ile2779Ser)

Gene: SYNE1 (spectrin repeat containing nuclear envelope protein 1; minus strand). Cytogenetic location: 6q25.2.
Variant type: single nucleotide variant.
Coding change: c.8336T>G on transcript NM_182961.4 (MANE Select); coding-DNA position 8336, T replaced by G.
Protein change: p.Ile2779Ser; replaces isoleucine 2779 with serine.
Molecular consequence: missense variant.
Genome position (GRCh38, 1-based): chr6:152,387,223, A>C on the plus strand (T>G on the coding strand, the complement: SYNE1 is on the minus strand). VCF-style: chr6-152387223-A-C. GRCh37 (hg19) VCF-style: chr6-152708358-A-C.
Other names: p.Ile2786Ser; c.8357T>G, p.Ile2786Ser (NM_033071.5); short protein forms I2779S, I2786S.
Identifiers: ClinVar variation 130451 (VCV000130451.29), dbSNP rs77121899, ClinGen allele CA155490.